The following is an entry in ClinVar:

ClinVar aggregate classification (germline): Uncertain significance (1 of 4 stars; one submission).

Submission:

Women's Health and Genetics/Laboratory Corporation of America, LabCorp
Classification: Uncertain significance. Last evaluated: 2023-11-08. Review status: criteria provided, single submitter. Criteria: LabCorp Variant Classification Summary - May 2015. Collection method: clinical testing. Allele origin: germline.
Comment: Variant summary: FAM175A c.1187delA (p.Lys396ArgfsX2) results in a premature termination codon in the last exon, predicted to cause a truncation of the encoded protein but not predicted to result in nonsense mediated decay. The variant was absent in 251120 control chromosomes. The available data on variant occurrences in the general population are insufficient to allow any conclusion about variant significance. To our knowledge, no occurrence of c.1187delA in individuals affected with Hereditary Breast And Ovarian Cancer Syndrome and no experimental evidence demonstrating its impact on protein function have been reported. No submitters have cited clinical-significance assessments for this variant to ClinVar after 2014. Based on the evidence outlined above, the variant was classified as uncertain significance.

NM_139076.3(ABRAXAS1):c.1187del (p.Lys396fs)

Gene: ABRAXAS1 (abraxas 1, BRCA1 A complex subunit; minus strand). Cytogenetic location: 4q21.23.
Variant type: Deletion.
Coding change: c.1187del on transcript NM_139076.3 (MANE Select); coding-DNA position 1187, one base deleted (A; older notation c.1187delA).
Protein change: p.Lys396fs; shifts the reading frame from lysine 396.
Molecular consequence: frameshift variant.
Genome position (GRCh38, 1-based): chr4:83,462,512, T deleted on the plus strand (A on the coding strand, the reverse complement: ABRAXAS1 is on the minus strand); the first of 4 consecutive T bases (chr4:83,462,512-83,462,515); deleting any one gives the same sequence. VCF-style (leftmost placement, unchanged base first): chr4-83462511-CT-C. GRCh37 (hg19) VCF-style: chr4-84383664-CT-C.
Other names: c.1187delA (NM_139076.3); c.860del, p.Lys287fs (NM_001345962.2); short protein forms K287fs, K396fs.
Identifiers: ClinVar variation 2682414 (VCV002682414.1), dbSNP rs2110032753, ClinGen allele CA2671260850.